The following is an entry in ClinVar:

NM_032447.5(FBN3):c.2372G>A (p.Cys791Tyr)

Gene: FBN3 (fibrillin 3; minus strand). Cytogenetic location: 19p13.2.
Variant type: single nucleotide variant.
Coding change: c.2372G>A on transcript NM_032447.5 (MANE Select); coding-DNA position 2372, G replaced by A.
Protein change: p.Cys791Tyr; replaces cysteine 791 with tyrosine.
Molecular consequence: missense variant.
Genome position (GRCh38, 1-based): chr19:8,126,757, C>T on the plus strand (G>A on the coding strand, the complement: FBN3 is on the minus strand). VCF-style: chr19-8126757-C-T. GRCh37 (hg19) VCF-style: chr19-8191641-C-T.
Other names: c.2372G>A, p.Cys791Tyr (NM_001321431.2); short protein forms C791Y.
Identifiers: ClinVar variation 3704763 (VCV003704763.2).

ClinVar aggregate classification (germline): Uncertain significance (1 of 4 stars; one submission).

gnomAD v4.1: 5 of 1,593,326 alleles (0.00031%); highest among the groups gnomAD compares: South Asian, 0.0045%; no homozygotes.

Submission:

Labcorp Genetics (formerly Invitae), Labcorp
Classification: Uncertain significance. Last evaluated: 2024-09-28. Review status: criteria provided, single submitter. Criteria: Invitae Variant Classification Sherloc (09022015). Collection method: clinical testing. Allele origin: germline.
Comment: This sequence change replaces cysteine, which is neutral and slightly polar, with tyrosine, which is neutral and polar, at codon 791 of the FBN3 protein (p.Cys791Tyr). The frequency data for this variant in the population databases is considered unreliable, as metrics indicate poor data quality at this position in the gnomAD database. This variant has not been reported in the literature in individuals affected with FBN3-related conditions. Invitae Evidence Modeling of protein sequence and biophysical properties (such as structural, functional, and spatial information, amino acid conservation, physicochemical variation, residue mobility, and thermodynamic stability) indicates that this missense variant is expected to disrupt FBN3 protein function with a positive predictive value of 80%. In summary, the available evidence is currently insufficient to determine the role of this variant in disease. Therefore, it has been classified as a Variant of Uncertain Significance.